The following is an entry in ClinVar:

NM_000208.4(INSR):c.*2318G>A

Gene: INSR (insulin receptor; minus strand). Cytogenetic location: 19p13.2.
Variant type: single nucleotide variant.
Coding change: c.*2318G>A on transcript NM_000208.4 (MANE Select); 2318 bases downstream of the stop codon, G replaced by A.
Molecular consequence: 3 prime UTR variant.
Genome position (GRCh38, 1-based): chr19:7,114,738, C>T on the plus strand (G>A on the coding strand, the complement: INSR is on the minus strand). VCF-style: chr19-7114738-C-T. GRCh37 (hg19) VCF-style: chr19-7114749-C-T.
Other names: c.*2318G>A (NM_001079817.3).
Identifiers: ClinVar variation 330390 (VCV000330390.29), dbSNP rs80330850, ClinGen allele CA10643391.

ClinVar aggregate classification (germline): Conflicting classifications of pathogenicity. Review status: criteria provided, conflicting classifications (1 of 4 stars). 4 submissions from 2 submitters: Uncertain significance (3); Benign (1). Last evaluated 2023-01-01.

Conditions:
Insulin-resistant diabetes mellitus AND acanthosis nigricans. Also called: DIABETES MELLITUS, INSULIN-RESISTANT, WITH ACANTHOSIS NIGRICANS, TYPE A; Insulin-resistance syndrome type A; type A insulin resistance; INSULIN RECEPTOR, DEFECT IN, WITH INSULIN-RESISTANT DIABETES MELLITUS AND ACANTHOSIS NIGRICANS; IRAN, TYPE A. Identifiers: Orphanet 2297, MedGen C0342278, MONDO:0012520, OMIM 610549.
Leprechaunism syndrome. Also called: Donohue syndrome; LEPRECHAUNISM. Identifiers: Orphanet 508, MedGen C0265344, MONDO:0009517, OMIM 246200.
Rabson-Mendenhall syndrome. Also called: MENDENHALL SYNDROME; Pineal Hyperplasia, Insulin-Resistant Diabetes Mellitus, and Somatic Abnormalities; Pineal hyperplasia AND diabetes mellitus syndrome. Identifiers: Orphanet 769, MedGen C0271695, MONDO:0009874, OMIM 262190.

Allele frequency attached by ClinVar (database versions not stated): 1000 Genomes Project 30x 0.00219; 1000 Genomes Project 0.00220; TOPMed 0.00891; gnomAD 0.00926 and 0.00953; gnomAD exomes 0.01402.
gnomAD v4.1: 1,412 of 152,548 alleles (0.93%); highest among the groups gnomAD compares: Non-Finnish European, 1.4%; 13 homozygotes.

Submissions (4):

CeGaT Center for Human Genetics Tuebingen
Classification: Benign. Last evaluated: 2023-01-01. Review status: criteria provided, single submitter. Criteria: CeGaT Center For Human Genetics Tuebingen Variant Classification Criteria Version 2. Collection method: clinical testing. Allele origin: germline. Affected: yes. Observed: 1 variant allele.
Comment: INSR: BS1, BS2

Illumina Laboratory Services, Illumina
Classification: Uncertain significance for Insulin-resistant diabetes mellitus AND acanthosis nigricans. Last evaluated: 2018-01-13. Review status: criteria provided, single submitter. Criteria: ICSL Variant Classification Criteria 13 December 2019. Collection method: clinical testing. Allele origin: germline.

Illumina Laboratory Services, Illumina
Classification: Uncertain significance for Leprechaunism syndrome. Last evaluated: 2018-01-13. Review status: criteria provided, single submitter. Criteria: ICSL Variant Classification Criteria 13 December 2019. Collection method: clinical testing. Allele origin: germline.

Illumina Laboratory Services, Illumina
Classification: Uncertain significance for Rabson-Mendenhall syndrome. Last evaluated: 2018-01-13. Review status: criteria provided, single submitter. Criteria: ICSL Variant Classification Criteria 13 December 2019. Collection method: clinical testing. Allele origin: germline.